The following is an entry in ClinVar:

NM_006397.3(RNASEH2A):c.412G>A (p.Val138Ile)

Gene: RNASEH2A (ribonuclease H2 subunit A; plus strand). Cytogenetic location: 19p13.13.
Variant type: single nucleotide variant.
Coding change: c.412G>A on transcript NM_006397.3 (MANE Select); coding-DNA position 412, G replaced by A.
Protein change: p.Val138Ile; replaces valine 138 with isoleucine.
Molecular consequence: missense variant.
Genome position (GRCh38, 1-based): chr19:12,810,071, G>A. VCF-style: chr19-12810071-G-A. GRCh37 (hg19) VCF-style: chr19-12920885-G-A.
Other names: short protein forms V138I.
Identifiers: ClinVar variation 2090464 (VCV002090464.1), dbSNP rs746895261, ClinGen allele CA9231896.

ClinVar aggregate classification (germline): Uncertain significance (1 of 4 stars; one submission).

Conditions:
Aicardi-Goutieres syndrome 4. Identifiers: Orphanet 51, MedGen C1835912, MONDO:0012472, OMIM 610333.

Allele frequency attached by ClinVar (database versions not stated): ExAC 0.00001; gnomAD exomes below 0.00001.
gnomAD v4.1: 6 of 1,614,020 alleles (0.00037%); highest among the groups gnomAD compares: African/African-American, 0.008%; no homozygotes.

Submission:

Labcorp Genetics (formerly Invitae), Labcorp
Classification: Uncertain significance for Aicardi-Goutieres syndrome 4. Last evaluated: 2022-01-28. Review status: criteria provided, single submitter. Criteria: Invitae Variant Classification Sherloc (09022015). Collection method: clinical testing. Allele origin: germline.
Comment: This sequence change replaces valine, which is neutral and non-polar, with isoleucine, which is neutral and non-polar, at codon 138 of the RNASEH2A protein (p.Val138Ile). This variant is present in population databases (rs746895261, gnomAD 0.01%). This variant has not been reported in the literature in individuals affected with RNASEH2A-related conditions. Algorithms developed to predict the effect of missense changes on protein structure and function (SIFT, PolyPhen-2, Align-GVGD) all suggest that this variant is likely to be tolerated. In summary, the available evidence is currently insufficient to determine the role of this variant in disease. Therefore, it has been classified as a Variant of Uncertain Significance.